The following is an entry in ClinVar:

NM_000179.3(MSH6):c.875G>T (p.Ser292Ile)

Gene: MSH6 (mutS homolog 6; plus strand). Cytogenetic location: 2p16.3.
Variant type: single nucleotide variant.
Coding change: c.875G>T on transcript NM_000179.3 (MANE Select); coding-DNA position 875, G replaced by T.
Protein change: p.Ser292Ile; replaces serine 292 with isoleucine.
Molecular consequence: missense variant. On other transcripts: 5 prime UTR variant (2).
Genome position (GRCh38, 1-based): chr2:47,798,858, G>T. VCF-style: chr2-47798858-G-T. GRCh37 (hg19) VCF-style: chr2-48025997-G-T.
Other names: c.485G>T, p.Ser162Ile (NM_001281492.2); c.-32G>T (NM_001281493.2, NM_001281494.2); short protein forms S292I, S162I.
Identifiers: ClinVar variation 140948 (VCV000140948.15), dbSNP rs587781389, ClinGen allele CA016579.
Genomic context (GRCh38, chr2:47,798,858, plus strand): 5'-AAGGAAGCAGTGATGAAATAAGCAGTGGAGTGGGGGATAGTGAGAGTGAAGGCCTGAACA[G>T]CCCTGTCAAAGTTGCTCGAAAGCGGAAGAGAATGGTGACTGGAAATGGCTCTCTTAAAAG-3'
Protein context (NP_000170.1, residues 282-302): VGDSESEGLN[Ser292Ile]PVKVARKRKR

ClinVar aggregate classification (germline): Conflicting classifications of pathogenicity. Review status: criteria provided, conflicting classifications (1 of 4 stars). 3 submissions from 3 submitters: Uncertain significance (2); Likely benign (1). Last evaluated 2024-11-01.

Conditions:
Hereditary nonpolyposis colorectal neoplasms. Identifiers: MedGen C0009405, MeSH D003123.
Hereditary cancer-predisposing syndrome. Also called: Neoplastic Syndromes, Hereditary; Tumor predisposition; Hereditary Cancer Syndrome; Hereditary neoplastic syndrome. Identifiers: Orphanet 140162, MedGen C0027672, MeSH D009386, MONDO:0015356.

Allele frequency attached by ClinVar (database versions not stated): gnomAD exomes below 0.00001.

Submissions (3):

Ambry Genetics
Classification: Uncertain significance for Hereditary cancer-predisposing syndrome. Last evaluated: 2024-11-01. Review status: criteria provided, single submitter. Criteria: Ambry Variant Classification Scheme 2023. Collection method: clinical testing. Allele origin: germline.
Comment: The p.S292I variant (also known as c.875G>T), located in coding exon 4 of the MSH6 gene, results from a G to T substitution at nucleotide position 875. The serine at codon 292 is replaced by isoleucine, an amino acid with dissimilar properties. This amino acid position is not well conserved in available vertebrate species. In addition, the in silico prediction for this alteration is inconclusive. Based on the available evidence, the clinical significance of this variant remains unclear.

Labcorp Genetics (formerly Invitae), Labcorp
Classification: Likely benign for Hereditary nonpolyposis colorectal neoplasms. Last evaluated: 2023-09-17. Review status: criteria provided, single submitter. Criteria: Invitae Variant Classification Sherloc (09022015). Collection method: clinical testing. Allele origin: germline.

Color Diagnostics, LLC DBA Color Health
Classification: Uncertain significance for Hereditary cancer-predisposing syndrome. Last evaluated: 2019-04-03. Review status: criteria provided, single submitter. Criteria: ACMG Guidelines, 2015. Collection method: clinical testing. Allele origin: germline.